The following is an entry in ClinVar:

NM_005188.4(CBL):c.1124G>T (p.Gly375Val)

Gene: CBL (Cbl proto-oncogene; plus strand). Cytogenetic location: 11q23.3.
Variant type: single nucleotide variant.
Coding change: c.1124G>T on transcript NM_005188.4 (MANE Select); coding-DNA position 1124, G replaced by T.
Protein change: p.Gly375Val; replaces glycine 375 with valine.
Molecular consequence: missense variant.
Genome position (GRCh38, 1-based): chr11:119,278,194, G>T. VCF-style: chr11-119278194-G-T. GRCh37 (hg19) VCF-style: chr11-119148904-G-T.
Other names: short protein forms G375V.
Identifiers: ClinVar variation 3996056 (VCV003996056.1).

ClinVar aggregate classification (germline): Uncertain significance (1 of 4 stars; one submission).

Conditions:
Cardiovascular phenotype. Identifiers: MedGen CN230736.

gnomAD v4.1: 1 of 1,608,298 alleles (0.000062%); highest among the groups gnomAD compares: Non-Finnish European, 0.000085%; no homozygotes.

Submission:

Ambry Genetics
Classification: Uncertain significance for Cardiovascular phenotype. Last evaluated: 2025-05-17. Review status: criteria provided, single submitter. Criteria: Ambry Variant Classification Scheme 2023. Collection method: clinical testing. Allele origin: germline.
Comment: The p.G375V variant (also known as c.1124G>T), located in coding exon 8 of the CBL gene, results from a G to T substitution at nucleotide position 1124. The glycine at codon 375 is replaced by valine, an amino acid with dissimilar properties. This amino acid position is conserved. In addition, this alteration is predicted to be deleterious by in silico analysis. Based on the available evidence, the clinical significance of this variant remains unclear.